The following is an entry in ClinVar:

ClinVar aggregate classification (germline): Uncertain significance (1 of 4 stars; one submission).

Conditions:
Hereditary cancer-predisposing syndrome. Also called: Tumor predisposition; Hereditary Cancer Syndrome; Neoplastic Syndromes, Hereditary; Hereditary neoplastic syndrome. Identifiers: Orphanet 140162, MedGen C0027672, MeSH D009386, MONDO:0015356.

Submission:

Ambry Genetics
Classification: Uncertain significance for Hereditary cancer-predisposing syndrome. Last evaluated: 2021-04-23. Review status: criteria provided, single submitter. Criteria: Ambry Variant Classification Scheme 2023. Collection method: clinical testing. Allele origin: germline.
Comment: The p.S849I variant (also known as c.2546G>T), located in coding exon 6 of the PALB2 gene, results from a G to T substitution at nucleotide position 2546. The serine at codon 849 is replaced by isoleucine, an amino acid with dissimilar properties. This amino acid position is not well conserved in available vertebrate species. In addition, this alteration is predicted to be tolerated by in silico analysis. Since supporting evidence is limited at this time, the clinical significance of this alteration remains unclear.

NM_024675.4(PALB2):c.2546G>T (p.Ser849Ile)

Gene: PALB2 (partner and localizer of BRCA2; minus strand). Cytogenetic location: 16p12.2.
Variant type: single nucleotide variant.
Coding change: c.2546G>T on transcript NM_024675.4 (MANE Select); coding-DNA position 2546, G replaced by T.
Protein change: p.Ser849Ile; replaces serine 849 with isoleucine.
Molecular consequence: missense variant.
Genome position (GRCh38, 1-based): chr16:23,629,244, C>A on the plus strand (G>T on the coding strand, the complement: PALB2 is on the minus strand). VCF-style: chr16-23629244-C-A. GRCh37 (hg19) VCF-style: chr16-23640565-C-A.
Other names: c.2486G>T, p.Ser829Ile (NM_001407296.1); c.2546G>T, p.Ser849Ile (NM_001407298.1, NM_001407299.1, NM_001407300.1 and 2 more transcripts); c.1661G>T, p.Ser554Ile (NM_001407304.1, NM_001407305.1, NM_001407306.1 and 5 more transcripts); c.758G>T, p.Ser253Ile (NM_001407312.1, NM_001407313.1); c.80G>T, p.Ser27Ile (NM_001407314.1); short protein forms S253I, S27I, S849I, S554I, S829I.
Identifiers: ClinVar variation 1792884 (VCV001792884.2), dbSNP rs2142368569, ClinGen allele CA395123789.